The following is an entry in ClinVar:

NM_003244.4(TGIF1):c.-38A>G

Gene: TGIF1 (TGFB induced factor homeobox 1; plus strand). Cytogenetic location: 18p11.31.
Variant type: single nucleotide variant.
Coding change: c.-38A>G on transcript NM_003244.4 (MANE Select); 38 bases upstream of the start codon, A replaced by G.
Molecular consequence: 5 prime UTR variant. On other transcripts: intron variant (6).
Genome position (GRCh38, 1-based): chr18:3,450,452, A>G. VCF-style: chr18-3450452-A-G. GRCh37 (hg19) VCF-style: chr18-3450450-A-G.
Other names: c.-38A>G (NM_001278684.2, NM_173208.3); c.-44-5902A>G (NM_174886.3, NM_001278686.3); c.58+2655A>G (NM_173207.4); c.-45+1913A>G (NM_001374396.1); c.25+796A>G (NM_001278682.2); c.-45+382A>G (NM_173209.3).
Identifiers: ClinVar variation 388458 (VCV000388458.1), dbSNP rs1057523111, ClinGen allele CA16607962.
Genomic context (GRCh38, chr18:3,450,452, plus strand): 5'-GAGTCGGCTGTGAAGGAGACGTTCGCTTATCCCCTGTGTCCCCGCTCCTGGCCCCTCCAG[A>G]CCCCCGCCTTGCCTCGCGCTGGGAGGGGAGATCCAGAATGAAAGGCAAGAAAGGTAAGGC-3'

ClinVar aggregate classification (germline): Likely benign (1 of 4 stars; one submission).

Allele frequency attached by ClinVar (database versions not stated): gnomAD exomes 0.00001.
gnomAD v4.1: 22 of 1,553,900 alleles (0.0014%); highest among the groups gnomAD compares: Non-Finnish European, 0.0017%; no homozygotes.

Submission:

GeneDx
Classification: Likely benign. Last evaluated: 2016-08-01. Review status: criteria provided, single submitter. Criteria: GeneDx Variant Classification (06012015). Collection method: clinical testing. Allele origin: germline. Affected: yes.
Comment: This variant is considered likely benign or benign based on one or more of the following criteria: it is a conservative change, it occurs at a poorly conserved position in the protein, it is predicted to be benign by multiple in silico algorithms, and/or has population frequency not consistent with disease.